The following is an entry in ClinVar:

NM_012330.4(KAT6B):c.928G>T (p.Gly310Trp)

Gene: KAT6B (lysine acetyltransferase 6B; plus strand). Cytogenetic location: 10q22.2.
Variant type: single nucleotide variant.
Coding change: c.928G>T on transcript NM_012330.4 (MANE Select); coding-DNA position 928, G replaced by T.
Protein change: p.Gly310Trp; replaces glycine 310 with tryptophan.
Molecular consequence: missense variant. On other transcripts: intron variant (3).
Genome position (GRCh38, 1-based): chr10:74,970,101, G>T. VCF-style: chr10-74970101-G-T. GRCh37 (hg19) VCF-style: chr10-76729859-G-T.
Other names: c.928G>T, p.Gly310Trp (NM_001370137.1, NM_001370138.1, NM_001370139.1 and 7 more transcripts); c.928G>T, p.Asp310Tyr (NM_001370143.1, NM_001370144.1); c.846+326G>T (NM_001370133.1); c.193-9123G>T (NM_001370134.1); c.192+10023G>T (NM_001370135.1); short protein forms D310Y, G310W.
Identifiers: ClinVar variation 3722060 (VCV003722060.2).

ClinVar aggregate classification (germline): Uncertain significance (1 of 4 stars; one submission).

Conditions:
Genitopatellar syndrome (GTPTS). Also called: ABSENT PATELLAE, SCROTAL HYPOPLASIA, RENAL ANOMALIES, FACIAL DYSMORPHISM, AND MENTAL RETARDATION; Genitopatellar syndrome (GPS). Identifiers: Orphanet 85201, MedGen C1853566, MONDO:0011640, OMIM 606170.

Submission:

Labcorp Genetics (formerly Invitae), Labcorp
Classification: Uncertain significance for Genitopatellar syndrome. Last evaluated: 2025-08-07. Review status: criteria provided, single submitter. Criteria: Invitae Variant Classification Sherloc (09022015). Collection method: clinical testing. Allele origin: germline.
Comment: This sequence change replaces glycine, which is neutral and non-polar, with tryptophan, which is neutral and slightly polar, at codon 310 of the KAT6B protein (p.Gly310Trp). This variant also falls at the last nucleotide of exon 6, which is part of the consensus splice site for this exon. This variant is not present in population databases (gnomAD no frequency). This variant has not been reported in the literature in individuals affected with KAT6B-related conditions. ClinVar contains an entry for this variant (Variation ID: 3722060). An algorithm developed to predict the effect of missense changes on protein structure and function (PolyPhen-2) suggests that this variant is likely to be disruptive. Variants that disrupt the consensus splice site are a relatively common cause of aberrant splicing (PMID: 17576681, 9536098). Algorithms developed to predict the effect of sequence changes on RNA splicing suggest that this variant may disrupt the consensus splice site. In summary, the available evidence is currently insufficient to determine the role of this variant in disease. Therefore, it has been classified as a Variant of Uncertain Significance.

Literature cited by the submitters: PubMed 17576681; PubMed 9536098.